The following is an entry in ClinVar:

NM_000264.5(PTCH1):c.22G>A (p.Ala8Thr)

Genes: PTCH1 (patched 1; minus strand), LOC130002133 (ATAC-STARR-seq lymphoblastoid silent region 20071; plus strand). Cytogenetic location: 9q22.32.
Variant type: single nucleotide variant.
Coding change: c.22G>A on transcript NM_000264.5 (MANE Select); coding-DNA position 22, G replaced by A.
Protein change: p.Ala8Thr; replaces alanine 8 with threonine.
Molecular consequence: missense variant. On other transcripts: non-coding transcript variant (1), intron variant (3).
Genome position (GRCh38, 1-based): chr9:95,508,340, C>T on the plus strand (G>A on the coding strand, the complement: PTCH1 is on the minus strand). VCF-style: chr9-95508340-C-T. GRCh37 (hg19) VCF-style: chr9-98270622-C-T.
Other names: c.22G>A, p.Ala8Thr (NM_001354918.2); c.199-1741G>A (NM_001083603.3); c.4-1741G>A (NM_001083602.3, NM_001354919.2); short protein forms A8T.
Identifiers: ClinVar variation 1382110 (VCV001382110.6), dbSNP rs2118910390, ClinGen allele CA374121666.

ClinVar aggregate classification (germline): Uncertain significance (1 of 4 stars; one submission).

Conditions:
Gorlin syndrome. Also called: Basal cell nevus syndrome; Nevoid Basal Cell Carcinoma Syndrome. Identifiers: Orphanet 377, MedGen C0004779, MONDO:0007187.

Submission:

Labcorp Genetics (formerly Invitae), Labcorp
Classification: Uncertain significance for Gorlin syndrome. Last evaluated: 2021-11-12. Review status: criteria provided, single submitter. Criteria: Invitae Variant Classification Sherloc (09022015). Collection method: clinical testing. Allele origin: germline.
Comment: This variant has not been reported in the literature in individuals affected with PTCH1-related conditions. This sequence change replaces alanine, which is neutral and non-polar, with threonine, which is neutral and polar, at codon 8 of the PTCH1 protein (p.Ala8Thr). This variant is not present in population databases (gnomAD no frequency). Advanced modeling of protein sequence and biophysical properties (such as structural, functional, and spatial information, amino acid conservation, physicochemical variation, residue mobility, and thermodynamic stability) performed at Invitae indicates that this missense variant is not expected to disrupt PTCH1 protein function. In summary, the available evidence is currently insufficient to determine the role of this variant in disease. Therefore, it has been classified as a Variant of Uncertain Significance.